The following is an entry in ClinVar:

NM_001387691.1(POM121):c.7C>T (p.Pro3Ser)

Gene: POM121 (POM121 transmembrane nucleoporin; plus strand). Cytogenetic location: 7q11.23.
Variant type: single nucleotide variant.
Coding change: c.7C>T on transcript NM_001387691.1 (MANE Select); coding-DNA position 7, C replaced by T.
Protein change: p.Pro3Ser; replaces proline 3 with serine.
Molecular consequence: missense variant. On other transcripts: intron variant (20).
Genome position (GRCh38, 1-based): chr7:72,925,128, C>T. VCF-style: chr7-72925128-C-T. GRCh37 (hg19) VCF-style: chr7-72395666-C-T.
Other names: c.-151-1134C>T (NM_001387694.1, NM_001387687.1, NM_001387703.1 and 17 more transcripts); c.7C>T, p.Pro3Ser (NM_001387692.1, NM_001387693.1); short protein forms P3S.
Identifiers: ClinVar variation 2657544 (VCV002657544.24), dbSNP rs559447703, ClinGen allele CA4283039.

ClinVar aggregate classification (germline): Likely benign (1 of 4 stars; one submission).

Allele frequency attached by ClinVar (database versions not stated): gnomAD 0.00067; TOPMed 0.00122; 1000 Genomes Project 0.00160; ExAC 0.00358.
gnomAD v4.1: 455 of 1,430,538 alleles (0.032%); highest among the groups gnomAD compares: Admixed American, 0.95%; 9 homozygotes.

Submission:

CeGaT Center for Human Genetics Tuebingen
Classification: Likely benign. Last evaluated: 2022-12-01. Review status: criteria provided, single submitter. Criteria: CeGaT Center For Human Genetics Tuebingen Variant Classification Criteria Version 2. Collection method: clinical testing. Allele origin: germline. Affected: yes. Observed: 1 variant allele.
Comment: POM121: BS2